The following is an entry in ClinVar:

ClinVar aggregate classification (germline): Pathogenic (1 of 4 stars; one submission).

Conditions:
Charcot-Marie-Tooth disease axonal type 2O. Also called: Charcot-Marie-Tooth disease, axonal, type 20; CHARCOT-MARIE-TOOTH NEUROPATHY, AXONAL, TYPE 2O; CHARCOT-MARIE-TOOTH DISEASE, AXONAL, AUTOSOMAL DOMINANT, TYPE 2O; Charcot-Marie-Tooth Neuropathy Type 2O. Identifiers: Orphanet 284232, MedGen C3280220, MONDO:0013644, OMIM 614228.

Submission:

Labcorp Genetics (formerly Invitae), Labcorp
Classification: Pathogenic for Charcot-Marie-Tooth disease axonal type 2O. Last evaluated: 2024-05-17. Review status: criteria provided, single submitter. Criteria: Invitae Variant Classification Sherloc (09022015). Collection method: clinical testing. Allele origin: germline.
Comment: This sequence change replaces methionine, which is neutral and non-polar, with valine, which is neutral and non-polar, at codon 3310 of the DYNC1H1 protein (p.Met3310Val). This variant is not present in population databases (gnomAD no frequency). This missense change has been observed in individual(s) with clinical features of Lennox-Gastout syndrome (Invitae). In at least one individual the variant was observed to be de novo. Advanced modeling of protein sequence and biophysical properties (such as structural, functional, and spatial information, amino acid conservation, physicochemical variation, residue mobility, and thermodynamic stability) performed at Invitae indicates that this missense variant is expected to disrupt DYNC1H1 protein function with a positive predictive value of 95%. For these reasons, this variant has been classified as Pathogenic.

NM_001376.5(DYNC1H1):c.9928A>G (p.Met3310Val)

Gene: DYNC1H1 (dynein cytoplasmic 1 heavy chain 1; plus strand). Cytogenetic location: 14q32.31.
Variant type: single nucleotide variant.
Coding change: c.9928A>G on transcript NM_001376.5 (MANE Select); coding-DNA position 9928, A replaced by G.
Protein change: p.Met3310Val; replaces methionine 3310 with valine.
Molecular consequence: missense variant.
Genome position (GRCh38, 1-based): chr14:102,032,316, A>G. VCF-style: chr14-102032316-A-G. GRCh37 (hg19) VCF-style: chr14-102498653-A-G.
Other names: short protein forms M3310V.
Identifiers: ClinVar variation 3636170 (VCV003636170.2).
Genomic context (GRCh38, chr14:102,032,316, plus strand): 5'-TCCTGCTGCCACTCAGCTGTGAAGTCGATCAAGAAGCAGCACCTGGTGGAGGTGAGGTCC[A>G]TGGCCAACCCTCCTGCTGCTGTGAAGCTGGCGCTGGAGTCCATCTGCCTGCTGCTGGGGG-3'
Protein context (NP_001367.2, residues 3300-3320): KKQHLVEVRS[Met3310Val]ANPPAAVKLA